The following is an entry in ClinVar:

NM_000441.2(SLC26A4):c.1411_1414del (p.Leu471fs)

Gene: SLC26A4 (solute carrier family 26 member 4; plus strand). Cytogenetic location: 7q22.3.
Variant type: Deletion.
Coding change: c.1411_1414del on transcript NM_000441.2 (MANE Select); coding-DNA positions 1411 to 1414, 4 bases deleted (CTGT; older notation c.1411_1414delCTGT).
Protein change: p.Leu471fs; shifts the reading frame from leucine 471.
Molecular consequence: frameshift variant.
Genome position (GRCh38, 1-based): chr7:107,694,690-107,694,693, CTGT deleted; deleting any 4 consecutive bases within chr7:107,694,688-107,694,693 gives the same sequence; the c. name uses the placement nearest the transcript's 3' end. VCF-style (leftmost placement, unchanged base first): chr7-107694687-CGTCT-C. GRCh37 (hg19) VCF-style: chr7-107335132-CGTCT-C.
Other names: short protein forms L471fs.
Identifiers: ClinVar variation 1725142 (VCV001725142.2), dbSNP rs2535327495, ClinGen allele CA2580076168.

ClinVar aggregate classification (germline): Likely pathogenic (1 of 4 stars; one submission).

Conditions:
Pendred syndrome (PDS). Also called: Pendred Syndrome (PDS); GOITER-DEAFNESS SYNDROME; HYPOTHYROIDISM, CONGENITAL, DUE TO DYSHORMONOGENESIS, 2B; Pendred's syndrome; DEAFNESS WITH GOITER; THYROID DYSHORMONOGENESIS 2B. Identifiers: Orphanet 705, MedGen C0271829, MONDO:0010134, OMIM 274600.

Submission:

Myriad Genetics, Inc.
Classification: Likely pathogenic for Pendred syndrome. Last evaluated: 2022-03-09. Review status: criteria provided, single submitter. Criteria: Myriad Women's Health Autosomal Recessive and X-Linked Classification Criteria (2021). Collection method: clinical testing. Allele origin: unknown.
Comment: NM_000441.1(SLC26A4):c.1411_1414delCTGT(L471Gfs*16) is expected to be pathogenic in the context of Pendred syndrome. This variant is predicted to lead to an abnormal or absent protein product due to the creation of a premature termination codon in SLC26A4, a gene where loss-of-function variants are known to be pathogenic. Please note: this variant was assessed in the context of healthy population screening.